The following is an entry in ClinVar:

ClinVar aggregate classification (germline): Uncertain significance (1 of 4 stars; one submission).

Allele frequency attached by ClinVar (database versions not stated): gnomAD 0.00001; TOPMed 0.00002.

Submission:

Labcorp Genetics (formerly Invitae), Labcorp
Classification: Uncertain significance. Last evaluated: 2023-03-20. Review status: criteria provided, single submitter. Criteria: Invitae Variant Classification Sherloc (09022015). Collection method: clinical testing. Allele origin: germline.
Comment: In summary, the available evidence is currently insufficient to determine the role of this variant in disease. Therefore, it has been classified as a Variant of Uncertain Significance. Advanced modeling of protein sequence and biophysical properties (such as structural, functional, and spatial information, amino acid conservation, physicochemical variation, residue mobility, and thermodynamic stability) has been performed at Invitae for this missense variant, however the output from this modeling did not meet the statistical confidence thresholds required to predict the impact of this variant on CACNA1E protein function. This variant has not been reported in the literature in individuals affected with CACNA1E-related conditions. This variant is not present in population databases (gnomAD no frequency). This sequence change replaces methionine, which is neutral and non-polar, with valine, which is neutral and non-polar, at codon 1133 of the CACNA1E protein (p.Met1133Val).

NM_001205293.3(CACNA1E):c.3397A>G (p.Met1133Val)

Gene: CACNA1E (calcium voltage-gated channel subunit alpha1 E; plus strand). Cytogenetic location: 1q25.3.
Variant type: single nucleotide variant.
Coding change: c.3397A>G on transcript NM_001205293.3 (MANE Select); coding-DNA position 3397, A replaced by G.
Protein change: p.Met1133Val; replaces methionine 1133 with valine.
Molecular consequence: missense variant.
Genome position (GRCh38, 1-based): chr1:181,736,409, A>G. VCF-style: chr1-181736409-A-G. GRCh37 (hg19) VCF-style: chr1-181705545-A-G.
Other names: c.3397A>G, p.Met1133Val (NM_000721.4); c.3340A>G, p.Met1114Val (NM_001205294.2); short protein forms M1114V, M1133V.
Identifiers: ClinVar variation 2778819 (VCV002778819.3), dbSNP rs951399197, ClinGen allele CA33817953.